The following is an entry in ClinVar:

ClinVar aggregate classification (germline): Conflicting classifications of pathogenicity. Review status: criteria provided, conflicting classifications (1 of 4 stars). 4 submissions from 4 submitters: Uncertain significance (3); Likely benign (1). Last evaluated 2026-07-21.

Conditions:
Hypertrophic cardiomyopathy 26. Also called: Cardiomyopathy, familial hypertrophic, 26. Identifiers: Orphanet 75249, MedGen C4310749, MONDO:0014883, OMIM 617047.
Distal myopathy with posterior leg and anterior hand involvement. Also called: WILLIAMS DISTAL MYOPATHY. Identifiers: Orphanet 63273, MedGen C3279722, MONDO:0013550, OMIM 614065.
Myofibrillar myopathy 5. Also called: Filaminopathy (type); FILAMINOPATHY, AUTOSOMAL DOMINANT. Identifiers: Orphanet 171445, MedGen C1836050, MONDO:0012289, OMIM 609524.
FLNC-related disorder. Also called: FLNC-related disorders; FLNC-related condition.
Cardiovascular phenotype. Identifiers: MedGen CN230736.

Allele frequency attached by ClinVar (database versions not stated): ExAC 0.00001; gnomAD exomes 0.00001 and 0.00002; gnomAD 0.00003.
gnomAD v4.1: 34 of 1,614,072 alleles (0.0021%); highest among the groups gnomAD compares: African/African-American, 0.0027%; no homozygotes.

Submissions (4):

PreventionGenetics, part of Exact Sciences
Classification: Uncertain significance for FLNC-related condition. Last evaluated: 2026-07-21. Review status: criteria provided, single submitter. Criteria: ACMG Guidelines, 2015. Collection method: clinical testing. Allele origin: germline.
Comment: The FLNC c.7400G>A variant is predicted to result in the amino acid substitution p.Arg2467His. To our knowledge, this variant has not been reported in the literature. This variant is reported in 0.0065% of alleles in individuals of South Asian descent in gnomAD. At this time, the clinical significance of this variant is uncertain due to the absence of conclusive functional and genetic evidence.

Labcorp Genetics (formerly Invitae), Labcorp
Classification: Likely benign for Distal myopathy with posterior leg and anterior hand involvement; Myofibrillar myopathy 5; Hypertrophic cardiomyopathy 26. Last evaluated: 2026-01-26. Review status: criteria provided, single submitter. Criteria: Invitae Variant Classification Sherloc (09022015). Collection method: clinical testing. Allele origin: germline.

GeneDx
Classification: Uncertain significance. Last evaluated: 2025-01-21. Review status: criteria provided, single submitter. Criteria: GeneDx Variant Classification Process June 2021. Collection method: clinical testing. Allele origin: germline. Affected: yes.
Comment: In silico analysis supports that this missense variant has a deleterious effect on protein structure/function; Has not been previously published as pathogenic or benign to our knowledge

Ambry Genetics
Classification: Uncertain significance for Cardiovascular phenotype. Last evaluated: 2022-12-06. Review status: criteria provided, single submitter. Criteria: Ambry Variant Classification Scheme 2023. Collection method: clinical testing. Allele origin: germline.
Comment: The p.R2467H variant (also known as c.7400G>A), located in coding exon 45 of the FLNC gene, results from a G to A substitution at nucleotide position 7400. The arginine at codon 2467 is replaced by histidine, an amino acid with highly similar properties. This amino acid position is conserved. In addition, this alteration is predicted to be deleterious by in silico analysis. Since supporting evidence is limited at this time, the clinical significance of this alteration remains unclear.

NM_001458.5(FLNC):c.7400G>A (p.Arg2467His)

Genes: FLNC (filamin C; plus strand), FLNC-AS1 (FLNC antisense RNA 1; minus strand). Cytogenetic location: 7q32.1.
Variant type: single nucleotide variant.
Coding change: c.7400G>A on transcript NM_001458.5 (MANE Select); coding-DNA position 7400, G replaced by A.
Protein change: p.Arg2467His; replaces arginine 2467 with histidine.
Molecular consequence: missense variant.
Genome position (GRCh38, 1-based): chr7:128,856,760, G>A. VCF-style: chr7-128856760-G-A. GRCh37 (hg19) VCF-style: chr7-128496814-G-A.
Other names: c.7301G>A, p.Arg2434His (NM_001127487.2); short protein forms R2467H, R2434H.
Identifiers: ClinVar variation 539350 (VCV000539350.14), dbSNP rs775910704, ClinGen allele CA4476267.